The following is an entry in ClinVar:

ClinVar aggregate classification (germline): Pathogenic (1 of 4 stars; one submission).

Submission:

ISCA site 4
Classification: Pathogenic. Last evaluated: 2011-08-12. Review status: criteria provided, single submitter. Criteria: Kaminsky et al. (Genet Med. 2011). Collection method: clinical testing. Allele origin: unknown. Affected: yes. Observed: 1 variant allele.
Comment: Copy number variation identified through the course of routine clinical cytogenomic testing in postnatal populations. Clinical assertions have been curated as described in Kaminsky et al. 2011.

GRCh38/hg38 5p15.33(chr5:22149-3404244)x1

Genes: LPCAT1 (lysophosphatidylcholine acyltransferase 1), LRRC14B (leucine rich repeat containing 14B; plus strand), LSINCT5 (long stress-induced non-coding transcript 5; plus strand), MIR4277 (microRNA 4277; minus strand), MIR4456 (microRNA 4456) and 187 more. Cytogenetic location: 5p15.33.
Variant type: copy number loss.
Change: copy number 1 (one copy instead of two) of chr5:22,149-3,404,244 (3.38 Mb, GRCh38 coordinates, 1-based), cytogenetic band 5p15.33.
Identifiers: ClinVar variation 57221 (VCV000057221.1).